The following is an entry in ClinVar:

NM_020699.4(GATAD2B):c.857G>A (p.Arg286His)

Gene: GATAD2B (GATA zinc finger domain containing 2B; minus strand). Cytogenetic location: 1q21.3.
Variant type: single nucleotide variant.
Coding change: c.857G>A on transcript NM_020699.4 (MANE Select); coding-DNA position 857, G replaced by A.
Protein change: p.Arg286His; replaces arginine 286 with histidine.
Molecular consequence: missense variant.
Genome position (GRCh38, 1-based): chr1:153,817,415, C>T on the plus strand (G>A on the coding strand, the complement: GATAD2B is on the minus strand). VCF-style: chr1-153817415-C-T. GRCh37 (hg19) VCF-style: chr1-153789891-C-T.
Other names: short protein forms R286H.
Identifiers: ClinVar variation 2828717 (VCV002828717.3), dbSNP rs1164699028, ClinGen allele CA342529940.

ClinVar aggregate classification (germline): Uncertain significance (1 of 4 stars; one submission).

Allele frequency attached by ClinVar (database versions not stated): TOPMed 0.00001.

Submission:

Labcorp Genetics (formerly Invitae), Labcorp
Classification: Uncertain significance. Last evaluated: 2023-07-27. Review status: criteria provided, single submitter. Criteria: Invitae Variant Classification Sherloc (09022015). Collection method: clinical testing. Allele origin: germline.
Comment: This sequence change replaces arginine, which is basic and polar, with histidine, which is basic and polar, at codon 286 of the GATAD2B protein (p.Arg286His). This variant is not present in population databases (gnomAD no frequency). This variant has not been reported in the literature in individuals affected with GATAD2B-related conditions. Advanced modeling of protein sequence and biophysical properties (such as structural, functional, and spatial information, amino acid conservation, physicochemical variation, residue mobility, and thermodynamic stability) performed at Invitae indicates that this missense variant is not expected to disrupt GATAD2B protein function. In summary, the available evidence is currently insufficient to determine the role of this variant in disease. Therefore, it has been classified as a Variant of Uncertain Significance.